The following is an entry in ClinVar:

NM_021625.5(TRPV4):c.826A>G (p.Lys276Glu)

Gene: TRPV4 (transient receptor potential cation channel subfamily V member 4; minus strand). Cytogenetic location: 12q24.11.
Variant type: single nucleotide variant.
Coding change: c.826A>G on transcript NM_021625.5 (MANE Select); coding-DNA position 826, A replaced by G.
Protein change: p.Lys276Glu; replaces lysine 276 with glutamic acid.
Molecular consequence: missense variant. On other transcripts: intron variant (2).
Genome position (GRCh38, 1-based): chr12:109,800,645, T>C on the plus strand (A>G on the coding strand, the complement: TRPV4 is on the minus strand). VCF-style: chr12-109800645-T-C. GRCh37 (hg19) VCF-style: chr12-110238450-T-C.
Other names: c.82A>G (NM_021625.4); c.724A>G, p.Lys242Glu (NM_001177431.2); c.826A>G, p.Lys276Glu (NM_147204.3); c.713-1733A>G (NM_001177433.1, NM_001177428.1); short protein forms K276E, K242E.
Identifiers: ClinVar variation 30476 (VCV000030476.4), dbSNP rs387906907, ClinGen allele CA129254.

ClinVar aggregate classification (germline): Pathogenic. Review status: criteria provided, single submitter (1 of 4 stars). 3 submissions from 3 submitters: Pathogenic (1). 2 of the submissions do not count toward it. Last evaluated 2016-10-25.

Conditions:
Neuromuscular disease. Also called: Neuromuscular disorder; Neuromyopathy. Identifiers: Orphanet 68381, MedGen C0027868, MeSH D009468, MONDO:0019056.
Skeletal dysplasia. Also called: Primary bone dysplasia. Identifiers: Orphanet 364526, MedGen C0410528, MONDO:0018230, HP:0002652.
Metatropic dysplasia (MTD). Also called: METATROPIC DWARFISM; Metatropic Dysplasia, TRPV4-Related; Metatropic dysplasia, nonlethal dominant. Identifiers: Orphanet 2635, MedGen C0265281, MONDO:0007986, OMIM 156530.

Submissions (3):

GeneDx
Classification: Pathogenic. Last evaluated: 2016-10-25. Review status: criteria provided, single submitter. Criteria: GeneDx Variant Classification (06012015). Collection method: clinical testing. Allele origin: germline. Affected: yes.
Comment: The K276E variant was not observed in approximately 6500 individuals of European and African American ancestry in the NHLBI Exome Sequencing Project, indicating it is not a common benign variant in these populations. The K276E variant is a non-conservative amino acid substitution, which is likely to impact secondary protein structure as these residues differ in polarity, charge, size and/or other properties. This substitution occurs at a position where amino acids with similar properties to Lysine are tolerated across species. In silico analysis is inconsistent in its predictions as to whether or not the variant is damaging to the protein structure/function. We interpret the K276E variant as a pathogenic variant

GeneReviews
Classification: Pathogenic for Neuromuscular Diseases; Skeletal dysplasia. Last evaluated: 2014-04-02. Review status: no assertion criteria provided. Collection method: literature only. Allele origin: germline. Affected: yes. Not counted in ClinVar's aggregate classification.

OMIM
Classification: Pathogenic for METATROPIC DYSPLASIA. Last evaluated: 2011-11-01. Review status: no assertion criteria provided. Collection method: literature only. Allele origin: germline. Not counted in ClinVar's aggregate classification.

Literature cited by the submitters: PubMed 21964829 (cited by OMIM).